The following is an entry in ClinVar:

ClinVar aggregate classification (germline): Benign. Review status: criteria provided, single submitter (1 of 4 stars). 2 submissions from 2 submitters: Benign (1). 1 of the submissions does not count toward it. Last evaluated 2021-08-19.

Conditions:
Polydactyly, postaxial, type a10. Identifiers: MedGen C5193129, MONDO:0032785, OMIM 618498.
KIAA0825-related disorder. Also called: KIAA0825-related condition.

Allele frequency attached by ClinVar (database versions not stated): 1000 Genomes Project 30x 0.18192; 1000 Genomes Project 0.18391; TOPMed 0.21850; gnomAD 0.23295 and 0.23345; gnomAD exomes 0.24036 and 0.28029; ESP Exome Variant Server 0.25077; ExAC 0.25705.
gnomAD v4.1: 426,355 of 1,549,286 alleles (28%); highest among the groups gnomAD compares: Middle Eastern, 31%; 61,666 homozygotes.

Submissions (2):

Genome-Nilou Lab
Classification: Benign for Polydactyly, postaxial, type a10. Last evaluated: 2021-08-19. Review status: criteria provided, single submitter. Criteria: ACMG Guidelines, 2015. Collection method: clinical testing. Allele origin: germline. Affected: no.

PreventionGenetics, part of Exact Sciences
Classification: Benign for KIAA0825-related condition. Last evaluated: 2019-11-04. Review status: no assertion criteria provided. Collection method: clinical testing. Allele origin: germline. Not counted in ClinVar's aggregate classification.
Comment: This variant is classified as benign based on ACMG/AMP sequence variant interpretation guidelines (Richards et al. 2015 PMID: 25741868, with internal and published modifications).

NM_001145678.3(KIAA0825):c.2551G>A (p.Ala851Thr)

Gene: KIAA0825 (KIAA0825; minus strand). Cytogenetic location: 5q15.
Variant type: single nucleotide variant.
Coding change: c.2551G>A on transcript NM_001145678.3 (MANE Select); coding-DNA position 2551, G replaced by A.
Protein change: p.Ala851Thr; replaces alanine 851 with threonine.
Molecular consequence: missense variant. On other transcripts: non-coding transcript variant (1).
Genome position (GRCh38, 1-based): chr5:94,417,312, C>T on the plus strand (G>A on the coding strand, the complement: KIAA0825 is on the minus strand). VCF-style: chr5-94417312-C-T. GRCh37 (hg19) VCF-style: chr5-93753017-C-T.
Other names: c.2566G>A, p.Ala856Thr (NM_001385712.1, NM_001385713.1, NM_001388325.1); short protein forms A851T, A856T.
Identifiers: ClinVar variation 1300066 (VCV001300066.4), dbSNP rs29910, ClinGen allele CA3344051.